The following is an entry in ClinVar:

NM_173628.4(DNAH17):c.9108G>A (p.Thr3036=)

Gene: DNAH17 (dynein axonemal heavy chain 17; minus strand). Cytogenetic location: 17q25.3.
Variant type: single nucleotide variant.
Coding change: c.9108G>A on transcript NM_173628.4 (MANE Select); coding-DNA position 9108, G replaced by A.
Protein change: p.Thr3036=; no amino-acid change (threonine 3036 retained).
Molecular consequence: synonymous variant.
Genome position (GRCh38, 1-based): chr17:78,462,910, C>T on the plus strand (G>A on the coding strand, the complement: DNAH17 is on the minus strand). VCF-style: chr17-78462910-C-T. GRCh37 (hg19) VCF-style: chr17-76458992-C-T.
Identifiers: ClinVar variation 2648357 (VCV002648357.24), dbSNP rs575945991, ClinGen allele CA8801510.
Genomic context (GRCh38, chr17:78,462,910, plus strand): 5'-AGCCGTGCTCTGCAGCTTCATCAGGCCGTTCTCCAGCCTCTCGATTTTGGCAACAAGTTC[C>T]GTTCTCTTCTTGGCCAGCAGGTTCTGGTACAGTTTGATCTGCTCCAGAAAGGTTTTGGGT-3'
Protein context (NP_775899.3, residues 3026-3046): LYQNLLAKKR[Thr3036=]ELVAKIERLE

ClinVar aggregate classification (germline): Likely benign (1 of 4 stars; one submission).

Allele frequency attached by ClinVar (database versions not stated): gnomAD exomes 0.00001; ExAC 0.00002; gnomAD 0.00004; TOPMed 0.00006; 1000 Genomes Project 0.00040; 1000 Genomes Project 30x 0.00062.
gnomAD v4.1: 29 of 1,613,978 alleles (0.0018%); highest among the groups gnomAD compares: Middle Eastern, 0.016%; no homozygotes.

Submission:

CeGaT Center for Human Genetics Tuebingen
Classification: Likely benign. Last evaluated: 2023-02-01. Review status: criteria provided, single submitter. Criteria: CeGaT Center For Human Genetics Tuebingen Variant Classification Criteria Version 2. Collection method: clinical testing. Allele origin: germline. Affected: yes. Observed: 1 variant allele.
Comment: DNAH17: BP4, BP7